The following is an entry in ClinVar:

NM_004320.6(ATP2A1):c.1287+5C>T

Gene: ATP2A1 (ATPase sarcoplasmic/endoplasmic reticulum Ca2+ transporting 1; plus strand). Cytogenetic location: 16p11.2.
Variant type: single nucleotide variant.
Coding change: c.1287+5C>T on transcript NM_004320.6 (MANE Select); 5 bases into the intron after coding-DNA position 1287, C replaced by T.
Molecular consequence: intron variant.
Genome position (GRCh38, 1-based): chr16:28,894,612, C>T. VCF-style: chr16-28894612-C-T. GRCh37 (hg19) VCF-style: chr16-28905933-C-T.
Other names: c.1287+5C>T (NM_173201.5); c.912+5C>T (NM_001286075.2).
Identifiers: ClinVar variation 464071 (VCV000464071.9), dbSNP rs377237562, ClinGen allele CA7986908.
Genomic context (GRCh38, chr16:28,894,612, plus strand): 5'-TGGAGCTGGCCACCATCTGTGCCCTCTGCAATGACTCCTCCTTGGACTTCAACGAGGTAA[C>T]CTCTCCTTCCCCTTCCAGTTGGCTCAGAGTCTGGGCCTCCTCCGAAGGCCAGGAGGAAAG-3'

ClinVar aggregate classification (germline): Uncertain significance (1 of 4 stars; one submission).

Conditions:
Brody myopathy. Also called: BRODY DISEASE. Identifiers: Orphanet 53347, MedGen C1832918, MONDO:0010977, OMIM 601003.

Allele frequency attached by ClinVar (database versions not stated): ExAC 0.00001; gnomAD exomes 0.00001; gnomAD 0.00005; TOPMed 0.00006; ESP Exome Variant Server 0.00008.
gnomAD v4.1: 15 of 1,613,834 alleles (0.00093%); highest among the groups gnomAD compares: African/African-American, 0.016%; no homozygotes.

Submission:

Labcorp Genetics (formerly Invitae), Labcorp
Classification: Uncertain significance for Brody myopathy. Last evaluated: 2025-02-19. Review status: criteria provided, single submitter. Criteria: Invitae Variant Classification Sherloc (09022015). Collection method: clinical testing. Allele origin: germline.
Comment: This sequence change falls in intron 11 of the ATP2A1 gene. It does not directly change the encoded amino acid sequence of the ATP2A1 protein. It affects a nucleotide within the consensus splice site. This variant is present in population databases (rs377237562, gnomAD 0.02%). This variant has not been reported in the literature in individuals affected with ATP2A1-related conditions. ClinVar contains an entry for this variant (Variation ID: 464071). Variants that disrupt the consensus splice site are a relatively common cause of aberrant splicing (PMID: 17576681, 9536098). Algorithms developed to predict the effect of sequence changes on RNA splicing suggest that this variant is not likely to affect RNA splicing. In summary, the available evidence is currently insufficient to determine the role of this variant in disease. Therefore, it has been classified as a Variant of Uncertain Significance.

Literature cited by the submitters: PubMed 17576681; PubMed 9536098.